The following is an entry in ClinVar:

NM_006904.7(PRKDC):c.1387A>C (p.Lys463Gln)

Gene: PRKDC (protein kinase, DNA-activated, catalytic subunit; minus strand). Cytogenetic location: 8q11.21.
Variant type: single nucleotide variant.
Coding change: c.1387A>C on transcript NM_006904.7 (MANE Select); coding-DNA position 1387, A replaced by C.
Protein change: p.Lys463Gln; replaces lysine 463 with glutamine.
Molecular consequence: missense variant.
Genome position (GRCh38, 1-based): chr8:47,935,792, T>G on the plus strand (A>C on the coding strand, the complement: PRKDC is on the minus strand). VCF-style: chr8-47935792-T-G. GRCh37 (hg19) VCF-style: chr8-48848352-T-G.
Other names: c.1387A>C, p.Lys463Gln (NM_001081640.2); short protein forms K463Q.
Identifiers: ClinVar variation 1771427 (VCV001771427.2), dbSNP rs1230671182, ClinGen allele CA371165784.

ClinVar aggregate classification (germline): Uncertain significance (1 of 4 stars; one submission).

Allele frequency attached by ClinVar (database versions not stated): gnomAD 0.00001; gnomAD exomes 0.00001; TOPMed 0.00001.
gnomAD v4.1: 17 of 1,613,890 alleles (0.0011%); highest among the groups gnomAD compares: Non-Finnish European, 0.0012%; no homozygotes.

Submission:

Ambry Genetics
Classification: Uncertain significance. Last evaluated: 2021-06-26. Review status: criteria provided, single submitter. Criteria: Ambry Variant Classification Scheme 2023. Collection method: clinical testing. Allele origin: germline.
Comment: The p.K463Q variant (also known as c.1387A>C), located in coding exon 13 of the PRKDC gene, results from an A to C substitution at nucleotide position 1387. The lysine at codon 463 is replaced by glutamine, an amino acid with similar properties. This amino acid position is conserved. In addition, this alteration is predicted to be tolerated by in silico analysis. Since supporting evidence is limited at this time, the clinical significance of this alteration remains unclear.